The following is an entry in ClinVar:

ClinVar aggregate classification (germline): Uncertain significance (1 of 4 stars; one submission).

gnomAD v4.1: 1 of 1,210,588 alleles (0.000083%); highest among the groups gnomAD compares: Non-Finnish European, 0.00011%; no homozygotes.

Submission:

GeneDx
Classification: Uncertain significance. Last evaluated: 2025-05-14. Review status: criteria provided, single submitter. Criteria: GeneDx Variant Classification Process June 2021. Collection method: clinical testing. Allele origin: germline. Affected: yes.
Comment: Not observed at significant frequency in large population cohorts (gnomAD); In silico analysis supports that this missense variant has a deleterious effect on protein structure/function; Has not been previously published as pathogenic or benign to our knowledge

NM_001008537.3(NEXMIF):c.1640G>A (p.Arg547His)

Gene: NEXMIF (neurite extension and migration factor; minus strand). Cytogenetic location: Xq13.3.
Variant type: single nucleotide variant.
Coding change: c.1640G>A on transcript NM_001008537.3 (MANE Select); coding-DNA position 1640, G replaced by A.
Protein change: p.Arg547His; replaces arginine 547 with histidine.
Molecular consequence: missense variant.
Genome position (GRCh38, 1-based): chrX:74,742,917, C>T on the plus strand (G>A on the coding strand, the complement: NEXMIF is on the minus strand). VCF-style: chrX-74742917-C-T. GRCh37 (hg19) VCF-style: chrX-73962752-C-T.
Other names: short protein forms R547H.
Identifiers: ClinVar variation 4530873 (VCV004530873.1).
Genomic context (GRCh38, chrX:74,742,917, plus strand): 5'-GTTGTCTCACTGGCATCCACCTTACCCAACTTCACCAGCATGTTCTTCTCACCTTTAAAG[C>T]GATTAATGATGATATATTTGATAATAACAGGGGGCTCCTTACGGGTTACTTTTCTTCTCT-3'
Protein context (NP_001008537.1, residues 537-557): PVIIKYIIIN[Arg547His]FKGEKNMLVK